The following is an entry in ClinVar:

ClinVar aggregate classification (germline): Uncertain significance (1 of 4 stars; one submission).

Submission:

CeGaT Center for Human Genetics Tuebingen
Classification: Uncertain significance. Last evaluated: 2023-09-01. Review status: criteria provided, single submitter. Criteria: CeGaT Center For Human Genetics Tuebingen Variant Classification Criteria Version 2. Collection method: clinical testing. Allele origin: germline. Affected: yes. Observed: 1 variant allele.
Comment: ABCB11: PM2, BP4

NM_003742.4(ABCB11):c.1807A>G (p.Lys603Glu)

Gene: ABCB11 (ATP binding cassette subfamily B member 11; minus strand). Cytogenetic location: 2q31.1.
Variant type: single nucleotide variant.
Coding change: c.1807A>G on transcript NM_003742.4 (MANE Select); coding-DNA position 1807, A replaced by G.
Protein change: p.Lys603Glu; replaces lysine 603 with glutamic acid.
Molecular consequence: missense variant.
Genome position (GRCh38, 1-based): chr2:168,970,047, T>C on the plus strand (A>G on the coding strand, the complement: ABCB11 is on the minus strand). VCF-style: chr2-168970047-T-C. GRCh37 (hg19) VCF-style: chr2-169826557-T-C.
Other names: short protein forms K603E.
Identifiers: ClinVar variation 2651518 (VCV002651518.24), dbSNP rs2545382648, ClinGen allele CA349113437.
Genomic context (GRCh38, chr2:168,970,047, plus strand): 5'-TGCAGCAGCACAAGCATTTCCACATGGACCTGTAAAATGGACTAAGACTTCCACAAACCT[T>C]ACTCAGCACTTCTTGCACCATGGCTTCACTCTCATTGTCCAGAGCTGAGGTGGCCATGTC-3'
Protein context (NP_003733.2, residues 593-613): SEAMVQEVLS[Lys603Glu]IQHGHTIISV